The following is an entry in ClinVar:

ClinVar aggregate classification (germline): Uncertain significance (1 of 4 stars; one submission).

Conditions:
Glycogen storage disease IXb (GSD9B). Also called: PHOSPHORYLASE KINASE DEFICIENCY OF LIVER AND MUSCLE, AUTOSOMAL RECESSIVE; GLYCOGENOSIS OF LIVER AND MUSCLE, AUTOSOMAL RECESSIVE; GSD IXb. Identifiers: Orphanet 79240, MedGen C0543514, MONDO:0009868, OMIM 261750.

gnomAD v4.1: 1 of 1,592,078 alleles (0.000063%); highest among the groups gnomAD compares: East Asian, 0.0022%; no homozygotes.

Submission:

Labcorp Genetics (formerly Invitae), Labcorp
Classification: Uncertain significance for Glycogen storage disease IXb. Last evaluated: 2022-05-03. Review status: criteria provided, single submitter. Criteria: Invitae Variant Classification Sherloc (09022015). Collection method: clinical testing. Allele origin: germline.
Comment: In summary, the available evidence is currently insufficient to determine the role of this variant in disease. Therefore, it has been classified as a Variant of Uncertain Significance. Algorithms developed to predict the effect of missense changes on protein structure and function are either unavailable or do not agree on the potential impact of this missense change (SIFT: "Deleterious"; PolyPhen-2: "Possibly Damaging"; Align-GVGD: "Class C0"). This variant has not been reported in the literature in individuals affected with PHKB-related conditions. This variant is not present in population databases (gnomAD no frequency). This sequence change replaces valine, which is neutral and non-polar, with isoleucine, which is neutral and non-polar, at codon 136 of the PHKB protein (p.Val136Ile).

NM_000293.3(PHKB):c.406G>A (p.Val136Ile)

Gene: PHKB (phosphorylase kinase regulatory subunit beta; plus strand). Cytogenetic location: 16q12.1.
Variant type: single nucleotide variant.
Coding change: c.406G>A on transcript NM_000293.3 (MANE Select); coding-DNA position 406, G replaced by A.
Protein change: p.Val136Ile; replaces valine 136 with isoleucine.
Molecular consequence: missense variant.
Genome position (GRCh38, 1-based): chr16:47,511,665, G>A. VCF-style: chr16-47511665-G-A. GRCh37 (hg19) VCF-style: chr16-47545576-G-A.
Other names: c.385G>A, p.Val129Ile (NM_001031835.3); c.406G>A, p.Val136Ile (NM_001363837.1); short protein forms V129I, V136I.
Identifiers: ClinVar variation 2133177 (VCV002133177.4), dbSNP rs745316766, ClinGen allele CA396099298.
Genomic context (GRCh38, chr16:47,511,665, plus strand): 5'-CTATAGTCTTGGATAAGTTTATGAATTACTAATGTTGTTTAATTTTATATTTCATTCTAG[G>A]TCCAGCAGTTTAAGCAGGATCCACGCCCAACAACATGTCTTCACTCTGTTTTCAATGTGC-3'
Protein context (NP_000284.1, residues 126-146): LYCYMRQADK[Val136Ile]QQFKQDPRPT